The following is an entry in ClinVar:

ClinVar aggregate classification (germline): Uncertain significance (1 of 4 stars; one submission).

Conditions:
Colorectal cancer, hereditary nonpolyposis, type 7. Identifiers: Orphanet 144, MedGen C1858380, MONDO:0013725, OMIM 614385.

Allele frequency attached by ClinVar (database versions not stated): gnomAD exomes below 0.00001.
gnomAD v4.1: 1 of 1,614,080 alleles (0.000062%); highest among the groups gnomAD compares: South Asian, 0.0011%; no homozygotes.

Submission:

Labcorp Genetics (formerly Invitae), Labcorp
Classification: Uncertain significance for Colorectal cancer, hereditary nonpolyposis, type 7. Last evaluated: 2023-06-15. Review status: criteria provided, single submitter. Criteria: Invitae Variant Classification Sherloc (09022015). Collection method: clinical testing. Allele origin: germline.
Comment: In summary, the available evidence is currently insufficient to determine the role of this variant in disease. Therefore, it has been classified as a Variant of Uncertain Significance. An algorithm developed to predict the effect of missense changes on protein structure and function (PolyPhen-2) suggests that this variant is likely to be disruptive. This variant has not been reported in the literature in individuals affected with MLH3-related conditions. This variant is not present in population databases (gnomAD no frequency). This sequence change replaces glycine, which is neutral and non-polar, with serine, which is neutral and polar, at codon 304 of the MLH3 protein (p.Gly304Ser).

NM_001040108.2(MLH3):c.910G>A (p.Gly304Ser)

Gene: MLH3 (mutL homolog 3; minus strand). Cytogenetic location: 14q24.3.
Variant type: single nucleotide variant.
Coding change: c.910G>A on transcript NM_001040108.2 (MANE Select); coding-DNA position 910, G replaced by A.
Protein change: p.Gly304Ser; replaces glycine 304 with serine.
Molecular consequence: missense variant.
Genome position (GRCh38, 1-based): chr14:75,048,746, C>T on the plus strand (G>A on the coding strand, the complement: MLH3 is on the minus strand). VCF-style: chr14-75048746-C-T. GRCh37 (hg19) VCF-style: chr14-75515449-C-T.
Other names: c.910G>A, p.Gly304Ser (NM_014381.3); short protein forms G304S.
Identifiers: ClinVar variation 2716752 (VCV002716752.3), dbSNP rs2139594960, ClinGen allele CA390448772.
Genomic context (GRCh38, chr14:75,048,746, plus strand): 5'-CTGGCTCCATGCACACATCATACTCACAGAATTGGCACTGCACATTAATTACATATATGC[C>T]ATAGAGTTCTGGGGTAGACCGGTGCCGAAGACTTGAATTCATTTGCCTACTGGTGGGACC-3'
Protein context (NP_001035197.1, residues 294-314): LRHRSTPELY[Gly304Ser]IYVINVQCQF